The following is an entry in ClinVar:

NM_020975.6(RET):c.538C>T (p.Arg180Ter)

Gene: RET (ret proto-oncogene; plus strand). Cytogenetic location: 10q11.21.
Variant type: single nucleotide variant.
Coding change: c.538C>T on transcript NM_020975.6 (MANE Select); coding-DNA position 538, C replaced by T.
Protein change: p.Arg180Ter; replaces arginine 180 with a stop codon.
Molecular consequence: nonsense.
Genome position (GRCh38, 1-based): chr10:43,102,542, C>T. VCF-style: chr10-43102542-C-T. GRCh37 (hg19) VCF-style: chr10-43597990-C-T.
Other names: c.538C>T, p.Arg180Ter (NM_000323.2, NM_001406743.1, NM_001406744.1 and 16 more transcripts); c.409C>T, p.Arg137Ter (NM_001406761.1, NM_001406762.1, NM_001406764.1 and 4 more transcripts); short protein forms R180*, R137*.
Identifiers: ClinVar variation 13925 (VCV000013925.15), dbSNP rs76449634, ClinGen allele CA009273.

ClinVar aggregate classification (germline): Pathogenic. Review status: criteria provided, multiple submitters, no conflicts (2 of 4 stars). 4 submissions from 4 submitters: Pathogenic (2). 2 of the submissions do not count toward it. Last evaluated 2021-02-16.

Conditions:
RET-related disorder. Also called: RET-related disorders; RET-related condition; RET-related disease.
Multiple endocrine neoplasia, type 2 (MEN2). Identifiers: Orphanet 653, MedGen C4048306, MONDO:0019003. Disease mechanism: gain of function.
Hirschsprung disease, susceptibility to, 1 (HSCR1). Also called: RET-Related Hirschsprung Disease. Identifiers: Orphanet 388, MedGen C3888239, MONDO:0007723, OMIM 142623.

Submissions (4):

Blueprint Genetics
Classification: Pathogenic for RET-related disorders. Last evaluated: 2021-02-16. Review status: criteria provided, single submitter. Criteria: ACMG Guidelines, 2015. Collection method: clinical testing. Allele origin: germline. Affected: yes. Observed: 4 variant alleles.

Labcorp Genetics (formerly Invitae), Labcorp
Classification: Pathogenic for Multiple endocrine neoplasia, type 2. Last evaluated: 2019-06-19. Review status: criteria provided, single submitter. Criteria: Invitae Variant Classification Sherloc (09022015). Collection method: clinical testing. Allele origin: germline.
Comment: For these reasons, this variant has been classified as Pathogenic. Loss-of-function variants in RET are known to be pathogenic (PMID: 22174939, 22648184). This variant has been observed in a family affected with Hirschsprung's disease (PMID: 8114939). ClinVar contains an entry for this variant (Variation ID: 13925). This variant is not present in population databases (ExAC no frequency). This sequence change creates a premature translational stop signal (p.Arg180*) in the RET gene. It is expected to result in an absent or disrupted protein product.

PreventionGenetics, part of Exact Sciences
Classification: Pathogenic for RET-related condition. Last evaluated: 2024-01-02. Review status: no assertion criteria provided. Collection method: clinical testing. Allele origin: germline. Not counted in ClinVar's aggregate classification.
Comment: The RET c.538C>T variant is predicted to result in premature protein termination (p.Arg180*). This variant was reported in an individual with Hirschsprung disease (Table 1, Edery et al 1994. PubMed ID: 8114939). This variant has not been reported in a large population database, indicating this variant is rare. Nonsense variants in RET are frequently reported to be pathogenic for Hirschsprung disease (HGMD, Human Gene Mutation Database). We interpret this variant as pathogenic.

OMIM
Classification: risk factor for HIRSCHSPRUNG DISEASE, SUSCEPTIBILITY TO, 1. Last evaluated: 1994-01-27. Review status: no assertion criteria provided. Collection method: literature only. Allele origin: germline. Not counted in ClinVar's aggregate classification.

Literature cited by the submitters: PubMed 22174939 (cited by Labcorp Genetics (formerly Invitae), Labcorp); PubMed 22648184 (cited by Labcorp Genetics (formerly Invitae), Labcorp); PubMed 8114939 (cited by Labcorp Genetics (formerly Invitae), Labcorp and OMIM).